The following is an entry in ClinVar:

ClinVar aggregate classification (germline): Pathogenic/Likely pathogenic. Review status: criteria provided, multiple submitters, no conflicts (2 of 4 stars). 2 submissions from 2 submitters: Pathogenic (1); Likely pathogenic (1). Last evaluated 2022-08-12.

Conditions:
Primary ciliary dyskinesia. Also called: Ciliary dyskinesia. Identifiers: Orphanet 244, MedGen C0008780, MONDO:0016575, HP:0012265.
Spermatogenic failure 18. Identifiers: MedGen C4539783, MONDO:0054615, OMIM 617576.
Ciliary dyskinesia, primary, 37 (CILD37). Also called: CILIARY DYSKINESIA, PRIMARY, 37, WITH OR WITHOUT SITUS INVERSUS. Identifiers: MedGen C4539798, MONDO:0033204, OMIM 617577.

Allele frequency attached by ClinVar (database versions not stated): ExAC 0.00001; gnomAD exomes 0.00001 and 0.00003; TOPMed 0.00002; gnomAD 0.00004; ESP Exome Variant Server 0.00008.

Submissions (2):

Labcorp Genetics (formerly Invitae), Labcorp
Classification: Pathogenic for Ciliary dyskinesia, primary, 37; Spermatogenic failure 18. Last evaluated: 2022-08-12. Review status: criteria provided, single submitter. Criteria: Invitae Variant Classification Sherloc (09022015). Collection method: clinical testing. Allele origin: germline.
Comment: For these reasons, this variant has been classified as Pathogenic. ClinVar contains an entry for this variant (Variation ID: 977579). This variant has not been reported in the literature in individuals affected with DNAH1-related conditions. This variant is present in population databases (rs765688686, gnomAD 0.008%). This sequence change creates a premature translational stop signal (p.Asp3890Argfs*16) in the DNAH1 gene. It is expected to result in an absent or disrupted protein product. Loss-of-function variants in DNAH1 are known to be pathogenic (PMID: 27573432, 27798045).

UNC Molecular Genetics  Laboratory, University of North Carolina at Chapel Hill
Classification: Likely pathogenic for Primary ciliary dyskinesia. Last evaluated: 2018-07-30. Review status: criteria provided, single submitter. Criteria: ACMG Guidelines, 2015. Collection method: clinical testing. Allele origin: germline. Observed: 1 compound heterozygote.

Literature cited by the submitters: PubMed 27573432 (cited by Labcorp Genetics (formerly Invitae), Labcorp); PubMed 27798045 (cited by Labcorp Genetics (formerly Invitae), Labcorp).

NM_015512.5(DNAH1):c.11667_11668insC (p.Asp3890fs)

Gene: DNAH1 (dynein axonemal heavy chain 1; plus strand). Cytogenetic location: 3p21.1.
Variant type: Insertion.
Coding change: c.11667_11668insC on transcript NM_015512.5 (MANE Select); coding-DNA positions 11667 to 11668, C inserted.
Protein change: p.Asp3890fs; shifts the reading frame from aspartic acid 3890.
Molecular consequence: frameshift variant.
Genome position: GRCh38 VCF-style: chr3-52396924-G-GC. GRCh37 (hg19) VCF-style: chr3-52430940-G-GC.
Other names: short protein forms D3890fs.
Identifiers: ClinVar variation 977579 (VCV000977579.7), dbSNP rs765688686, ClinGen allele CA2436249.